The following is an entry in ClinVar:

NM_000264.5(PTCH1):c.728C>T (p.Ser243Phe)

Gene: PTCH1 (patched 1; minus strand). Cytogenetic location: 9q22.32.
Variant type: single nucleotide variant.
Coding change: c.728C>T on transcript NM_000264.5 (MANE Select); coding-DNA position 728, C replaced by T.
Protein change: p.Ser243Phe; replaces serine 243 with phenylalanine.
Molecular consequence: missense variant. On other transcripts: non-coding transcript variant (1).
Genome position (GRCh38, 1-based): chr9:95,481,967, G>A on the plus strand (C>T on the coding strand, the complement: PTCH1 is on the minus strand). VCF-style: chr9-95481967-G-A. GRCh37 (hg19) VCF-style: chr9-98244249-G-A.
Other names: c.530C>T, p.Ser177Phe (NM_001083602.3, NM_001354919.2); c.725C>T, p.Ser242Phe (NM_001083603.3); c.275C>T, p.Ser92Phe (NM_001083604.3, NM_001083605.3, NM_001083606.3 and 1 more transcripts); c.728C>T, p.Ser243Phe (NM_001354918.2); short protein forms S177F, S92F, S243F, S242F.
Identifiers: ClinVar variation 640975 (VCV000640975.14), dbSNP rs141265422, ClinGen allele CA5138870.

ClinVar aggregate classification (germline): Conflicting classifications of pathogenicity. Review status: criteria provided, conflicting classifications (1 of 4 stars). 2 submissions from 2 submitters: Uncertain significance (1); Benign (1). Last evaluated 2025-05-22.

Conditions:
Hereditary cancer-predisposing syndrome. Also called: Neoplastic Syndromes, Hereditary; Hereditary Cancer Syndrome; Hereditary neoplastic syndrome; Tumor predisposition. Identifiers: Orphanet 140162, MedGen C0027672, MeSH D009386, MONDO:0015356.
Gorlin syndrome. Also called: Basal cell nevus syndrome; Nevoid Basal Cell Carcinoma Syndrome. Identifiers: Orphanet 377, MedGen C0004779, MONDO:0007187.

Allele frequency attached by ClinVar (database versions not stated): ExAC 0.00001; gnomAD exomes 0.00001; ESP Exome Variant Server 0.00008.
gnomAD v4.1: 10 of 1,612,602 alleles (0.00062%); highest among the groups gnomAD compares: South Asian, 0.0011%; no homozygotes.

Submissions (2):

Labcorp Genetics (formerly Invitae), Labcorp
Classification: Benign for Gorlin syndrome. Last evaluated: 2025-05-22. Review status: criteria provided, single submitter. Criteria: Invitae Variant Classification Sherloc (09022015). Collection method: clinical testing. Allele origin: germline.

Ambry Genetics
Classification: Uncertain significance for Hereditary cancer-predisposing syndrome. Last evaluated: 2024-09-09. Review status: criteria provided, single submitter. Criteria: Ambry Variant Classification Scheme 2023. Collection method: clinical testing. Allele origin: germline.
Comment: The p.S243F variant (also known as c.728C>T), located in coding exon 5 of the PTCH1 gene, results from a C to T substitution at nucleotide position 728. The serine at codon 243 is replaced by phenylalanine, an amino acid with highly dissimilar properties. This amino acid position is highly conserved in available vertebrate species. In addition, the in silico prediction for this alteration is inconclusive. Since supporting evidence is limited at this time, the clinical significance of this alteration remains unclear.